The following is an entry in ClinVar:

NM_017697.4(ESRP1):c.1800T>C (p.Asn600=)

Gene: ESRP1 (epithelial splicing regulatory protein 1; plus strand). Cytogenetic location: 8q22.1.
Variant type: single nucleotide variant.
Coding change: c.1800T>C on transcript NM_017697.4 (MANE Select); coding-DNA position 1800, T replaced by C.
Protein change: p.Asn600=; no amino-acid change (asparagine 600 retained).
Molecular consequence: synonymous variant.
Genome position (GRCh38, 1-based): chr8:94,678,351, T>C. VCF-style: chr8-94678351-T-C. GRCh37 (hg19) VCF-style: chr8-95690579-T-C.
Other names: c.1788T>C, p.Asn596= (NM_001034915.3, NM_001122826.2, NM_001122827.2); c.1800T>C, p.Asn600= (NM_001122825.2); c.1800T>C (NM_017697.3).
Identifiers: ClinVar variation 1255396 (VCV001255396.6), dbSNP rs12677519, ClinGen allele CA4812345.

ClinVar aggregate classification (germline): Benign. Review status: criteria provided, multiple submitters, no conflicts (2 of 4 stars). 3 submissions from 3 submitters: Benign (2). 1 of the submissions does not count toward it. Last evaluated 2021-07-30.

Conditions:
Hearing loss, autosomal recessive 109. Also called: DEAFNESS, AUTOSOMAL RECESSIVE 109. Identifiers: MedGen C4693935, MONDO:0033202, OMIM 618013.
ESRP1-related disorder. Also called: ESRP1-related condition.

Allele frequency attached by ClinVar (database versions not stated): 1000 Genomes Project 30x 0.48079; TOPMed 0.48402; gnomAD 0.48717 and 0.49695; ESP Exome Variant Server 0.49130; 1000 Genomes Project 0.49241.
gnomAD v4.1: 945,231 of 1,613,562 alleles (59%); highest among the groups gnomAD compares: South Asian, 67%; 282,419 homozygotes.

Submissions (3):

Genome-Nilou Lab
Classification: Benign for Hearing loss, autosomal recessive 109. Last evaluated: 2021-07-30. Review status: criteria provided, single submitter. Criteria: ACMG Guidelines, 2015. Collection method: clinical testing. Allele origin: germline. Affected: no.

Breakthrough Genomics
Classification: Benign. Review status: criteria provided, single submitter. Criteria: ACMG Guidelines, 2015. Collection method: not provided. Allele origin: germline. Inheritance: Autosomal recessive inheritance. Affected: yes.

PreventionGenetics, part of Exact Sciences
Classification: Benign for ESRP1-related condition. Last evaluated: 2019-10-17. Review status: no assertion criteria provided. Collection method: clinical testing. Allele origin: germline. Not counted in ClinVar's aggregate classification.
Comment: This variant is classified as benign based on ACMG/AMP sequence variant interpretation guidelines (Richards et al. 2015 PMID: 25741868, with internal and published modifications).